The following is an entry in ClinVar:

ClinVar aggregate classification (germline): Pathogenic/Likely pathogenic. Review status: criteria provided, multiple submitters, no conflicts (2 of 4 stars). 2 submissions from 2 submitters: Pathogenic (1); Likely pathogenic (1). Last evaluated 2024-03-05.

Conditions:
Intellectual disability. Also called: intellectual disabilities; Intellectual functioning disability; Intellectual developmental disorder. Identifiers: MedGen C3714756, MeSH D008607, MONDO:0001071, HP:0001249.

Submissions (2):

GeneDx
Classification: Likely pathogenic. Last evaluated: 2024-03-05. Review status: criteria provided, single submitter. Criteria: GeneDx Variant Classification Process June 2021. Collection method: clinical testing. Allele origin: germline. Affected: yes.
Comment: In silico analysis supports that this missense variant has a deleterious effect on protein structure/function; Not observed at significant frequency in large population cohorts (gnomAD); This variant is associated with the following publications: (PMID: 33057194, 35982159, 35829845, 37658636)

Human Genetics Laboratory, State University of Rio de Janeiro
Classification: Pathogenic for Intellectual disability. Last evaluated: 2022-05-03. Review status: criteria provided, single submitter. Criteria: ACMG Guidelines, 2015. Collection method: research. Allele origin: de novo. Inheritance: Sporadic. Affected: yes. Observed: 1 heterozygote.

NM_003403.5(YY1):c.1106A>G (p.Asn369Ser)

Gene: YY1 (YY1 transcription factor; plus strand). Cytogenetic location: 14q32.2.
Variant type: single nucleotide variant.
Coding change: c.1106A>G on transcript NM_003403.5 (MANE Select); coding-DNA position 1106, A replaced by G.
Protein change: p.Asn369Ser; replaces asparagine 369 with serine.
Molecular consequence: missense variant.
Genome position (GRCh38, 1-based): chr14:100,277,461, A>G. VCF-style: chr14-100277461-A-G. GRCh37 (hg19) VCF-style: chr14-100743798-A-G.
Other names: short protein forms N369S.
Identifiers: ClinVar variation 1321254 (VCV001321254.34), dbSNP rs2139605753, ClinGen allele CA390969383.
Genomic context (GRCh38, chr14:100,277,461, plus strand): 5'-TGGTCTTTCCTTGACAGTGCACGTTCGAAGGCTGTGGGAAACGCTTTTCACTGGACTTCA[A>G]TTTGCGCACACATGTGCGAATCCATACCGGAGACAGGCCCTATGTGTGCCCCTTCGATGG-3'
Protein context (NP_003394.1, residues 359-379): GCGKRFSLDF[Asn369Ser]LRTHVRIHTG